The following is an entry in ClinVar:

ClinVar aggregate classification (germline): Uncertain significance (1 of 4 stars; one submission).

Conditions:
X-linked intellectual disability, Cantagrel type (XLID98). Also called: INTELLECTUAL DEVELOPMENTAL DISORDER, X-LINKED 98. Identifiers: Orphanet 85277, MedGen C3806730, MONDO:0010483, OMIM 300912.

Submission:

Pittsburgh Clinical Genomics Laboratory, University of Pittsburgh Medical Center
Classification: Uncertain significance for X-linked intellectual disability, Cantagrel type. Last evaluated: 2024-03-18. Review status: criteria provided, single submitter. Criteria: ACMG Guidelines, 2015. Collection method: clinical testing. Allele origin: germline. Inheritance: X-linked dominant inheritance. Affected: yes.
Comment: This sequence variant is a single nucleotide substitution (G>T) at position 3443 of the coding sequence of the NEXMIF gene that results in a serine to isoleucine amino acid change at residue 1148 of the neurite extension and migration factor protein. This novel, de novo variant is absent from ClinVar, publications, and the gnomAD v4.0.0 population database (0/640149 alleles). Bioinformatic tools are inconclusive if this variant is likely to be damaging or tolerated, and the Ser1148 residue at this position is highly conserved across the vertebrate species examined. Studies examining the functional consequence of this variant have not been performed, to our knowledge. At this time, there is insufficient evidence to determine if this variant is pathogenic or benign. Therefore, we consider this a variant of uncertain significance. ACMG Criteria: BP1, PM2

NM_001008537.3(NEXMIF):c.3443G>T (p.Ser1148Ile)

Gene: NEXMIF (neurite extension and migration factor; minus strand). Cytogenetic location: Xq13.3.
Variant type: single nucleotide variant.
Coding change: c.3443G>T on transcript NM_001008537.3 (MANE Select); coding-DNA position 3443, G replaced by T.
Protein change: p.Ser1148Ile; replaces serine 1148 with isoleucine.
Molecular consequence: missense variant.
Genome position (GRCh38, 1-based): chrX:74,741,114, C>A on the plus strand (G>T on the coding strand, the complement: NEXMIF is on the minus strand). VCF-style: chrX-74741114-C-A. GRCh37 (hg19) VCF-style: chrX-73960949-C-A.
Other names: short protein forms S1148I.
Identifiers: ClinVar variation 3376480 (VCV003376480.1).